The following is an entry in ClinVar:

NM_024757.5(EHMT1):c.1544A>G (p.Gln515Arg)

Genes: EHMT1 (euchromatic histone lysine methyltransferase 1; plus strand), LOC130003148 (ATAC-STARR-seq lymphoblastoid active region 29369; plus strand). Cytogenetic location: 9q34.3.
Variant type: single nucleotide variant.
Coding change: c.1544A>G on transcript NM_024757.5 (MANE Select); coding-DNA position 1544, A replaced by G.
Protein change: p.Gln515Arg; replaces glutamine 515 with arginine.
Molecular consequence: missense variant.
Genome position (GRCh38, 1-based): chr9:137,762,717, A>G. VCF-style: chr9-137762717-A-G. GRCh37 (hg19) VCF-style: chr9-140657169-A-G.
Other names: c.1544A>G, p.Gln515Arg (NM_001145527.2, NM_001354611.2); c.1451A>G, p.Gln484Arg (NM_001354259.2, NM_001354612.2); c.1523A>G, p.Gln508Arg (NM_001354263.2); short protein forms Q508R, Q484R, Q515R.
Identifiers: ClinVar variation 1516285 (VCV001516285.8), dbSNP rs2136356874, ClinGen allele CA375768836.

ClinVar aggregate classification (germline): Uncertain significance (1 of 4 stars; one submission).

Conditions:
Kleefstra syndrome 1 (KLEFS1). Identifiers: Orphanet 261494, MedGen C0795833, MONDO:0027407, OMIM 610253.

Allele frequency attached by ClinVar (database versions not stated): gnomAD exomes below 0.00001.
gnomAD v4.1: 3 of 1,614,266 alleles (0.00019%); highest among the groups gnomAD compares: Non-Finnish European, 0.00025%; no homozygotes.

Submission:

Labcorp Genetics (formerly Invitae), Labcorp
Classification: Uncertain significance for Kleefstra syndrome 1. Last evaluated: 2021-03-12. Review status: criteria provided, single submitter. Criteria: Invitae Variant Classification Sherloc (09022015). Collection method: clinical testing. Allele origin: germline.
Comment: In summary, the available evidence is currently insufficient to determine the role of this variant in disease. Therefore, it has been classified as a Variant of Uncertain Significance. Algorithms developed to predict the effect of missense changes on protein structure and function are either unavailable or do not agree on the potential impact of this missense change (SIFT: "Deleterious"; PolyPhen-2: "Possibly Damaging"; Align-GVGD: "Class C0"). This variant has not been reported in the literature in individuals with EHMT1-related conditions. This variant is not present in population databases (ExAC no frequency). This sequence change replaces glutamine with arginine at codon 515 of the EHMT1 protein (p.Gln515Arg). The glutamine residue is highly conserved and there is a small physicochemical difference between glutamine and arginine.